The following is an entry in ClinVar:

ClinVar aggregate classification (germline): Pathogenic (0 of 4 stars; one submission).

Conditions:
Pyruvate dehydrogenase E1-alpha deficiency (PDHAD). Also called: ATAXIA, INTERMITTENT, WITH PYRUVATE DEHYDROGENASE DEFICIENCY; ATAXIA WITH LACTIC ACIDOSIS I; ATAXIA, INTERMITTENT, WITH ABNORMAL PYRUVATE METABOLISM; Ataxia, intermittent, with pyruvate dehydrogenase, or decarboxylase, deficiency. Identifiers: Orphanet 79243, MedGen C1839413, MONDO:0010717, OMIM 312170.

Submission:

PDHA1 Study Group, University Children’s Hospital, Paracelsus Medical University
Classification: Pathogenic for Pyruvate dehydrogenase E1-alpha deficiency. Last evaluated: 2024-10-15. Review status: no assertion criteria provided. Collection method: research. Allele origin: de novo. Affected: yes. Observed: 1 variant allele.
Comment: The NM_000284.3:c.1085_1093dup (p.Glu362_Leu364dup) change is a deletion-insertion (delins) variant in PDHA1 gene. Among them, 1 case had confirmed de novo occurrence. The variant has been reported in 1 published case (PMIDs: 8962591). Last literature search: July 12, 2024. This variant is absent or extremely rare in population-based cohorts in the Genome Aggregation Database (gnomAD). Individuals harboring this variant presented with clinical features compatible with PDHA1-related PDHc deficiency. In summary, this variant meets criteria to be classified as pathogenic (P) for PDHA1-related PDHc deficiency based on the ACMG/AMP criteria applied: PS2, PM1, PM2, PM4 (last assessment October 15, 2024).

Literature cited by the submitters: PubMed 8962591; DOI 10.1093/brain/awaf430.

NM_000284.4(PDHA1):c.1085_1093dup (p.Leu364_Gly365insGluGluLeu)

Gene: PDHA1 (pyruvate dehydrogenase E1 subunit alpha 1; plus strand). Cytogenetic location: Xp22.12.
Variant type: Duplication.
Coding change: c.1085_1093dup on transcript NM_000284.4 (MANE Select); coding-DNA positions 1085 to 1093, 9 bases duplicated (AAGAGCTGG; older notation c.1085_1093dupAAGAGCTGG).
Protein change: p.Leu364_Gly365insGluGluLeu.
Molecular consequence: inframe insertion.
Genome position (GRCh38, 1-based): chrX:19,359,565-19,359,573, AAGAGCTGG duplicated; duplicating any 9 consecutive bases within chrX:19,359,562-19,359,573 gives the same sequence; the c. name uses the placement nearest the transcript's 3' end. VCF-style (leftmost placement, unchanged base first): chrX-19359561-T-TTGGAAGAGC. GRCh37 (hg19) VCF-style: chrX-19377679-T-TTGGAAGAGC.
Other names: c.1199_1207dup, p.Leu402_Gly403insGluGluLeu (NM_001173454.2); c.1106_1114dup, p.Leu371_Gly372insGluGluLeu (NM_001173455.2); c.992_1000dup, p.Leu333_Gly334insGluGluLeu (NM_001173456.2).
Identifiers: ClinVar variation 4070448 (VCV004070448.1).